The following is an entry in ClinVar:

NM_003108.4(SOX11):c.840G>C (p.Thr280=)

Gene: SOX11 (SRY-box transcription factor 11; plus strand). Cytogenetic location: 2p25.2.
Variant type: single nucleotide variant.
Coding change: c.840G>C on transcript NM_003108.4 (MANE Select); coding-DNA position 840, G replaced by C.
Protein change: p.Thr280=; no amino-acid change (threonine 280 retained).
Molecular consequence: synonymous variant.
Genome position (GRCh38, 1-based): chr2:5,693,561, G>C. VCF-style: chr2-5693561-G-C. GRCh37 (hg19) VCF-style: chr2-5833693-G-C.
Identifiers: ClinVar variation 3709705 (VCV003709705.2).

ClinVar aggregate classification (germline): Uncertain significance (1 of 4 stars; one submission).

gnomAD v4.1: 21 of 1,563,650 alleles (0.0013%); highest among the groups gnomAD compares: African/African-American, 0.0027%; no homozygotes.

Submission:

Labcorp Genetics (formerly Invitae), Labcorp
Classification: Uncertain significance. Last evaluated: 2024-08-07. Review status: criteria provided, single submitter. Criteria: Invitae Variant Classification Sherloc (09022015). Collection method: clinical testing. Allele origin: germline.
Comment: This sequence change affects codon 280 of the SOX11 mRNA. It is a 'silent' change, meaning that it does not change the encoded amino acid sequence of the SOX11 protein. This variant is present in population databases (rs766602101, gnomAD 0.001%). This variant has not been reported in the literature in individuals affected with SOX11-related conditions. In summary, the available evidence is currently insufficient to determine the role of this variant in disease. Therefore, it has been classified as a Variant of Uncertain Significance.